The following is an entry in ClinVar:

ClinVar aggregate classification (germline): Uncertain significance (1 of 4 stars; one submission).

gnomAD v4.1: 23 of 1,480,498 alleles (0.0016%); highest among the groups gnomAD compares: Non-Finnish European, 0.0021%; no homozygotes.

Submission:

GeneDx
Classification: Uncertain significance. Last evaluated: 2025-07-17. Review status: criteria provided, single submitter. Criteria: GeneDx Variant Classification Process June 2021. Collection method: clinical testing. Allele origin: germline. Affected: yes.
Comment: Not observed at significant frequency in large population cohorts (gnomAD); In silico analysis supports that this missense variant has a deleterious effect on protein structure/function; Has not been previously published as pathogenic or benign to our knowledge

NM_001287491.2(TET3):c.5345A>G (p.Tyr1782Cys)

Gene: TET3 (tet methylcytosine dioxygenase 3; plus strand). Cytogenetic location: 2p13.1.
Variant type: single nucleotide variant.
Coding change: c.5345A>G on transcript NM_001287491.2 (MANE Select); coding-DNA position 5345, A replaced by G.
Protein change: p.Tyr1782Cys; replaces tyrosine 1782 with cysteine.
Molecular consequence: missense variant.
Genome position (GRCh38, 1-based): chr2:74,102,133, A>G. VCF-style: chr2-74102133-A-G. GRCh37 (hg19) VCF-style: chr2-74329260-A-G.
Other names: c.5066A>G, p.Tyr1689Cys (NM_001366022.1); short protein forms Y1689C, Y1782C.
Identifiers: ClinVar variation 4686291 (VCV004686291.1).